The following is an entry in ClinVar:

ClinVar aggregate classification (germline): Pathogenic. Review status: criteria provided, multiple submitters, no conflicts (2 of 4 stars). 4 submissions from 4 submitters: Pathogenic (3). 1 of the submissions does not count toward it. Last evaluated 2025-07-21.

Conditions:
CFTR-related disorder (CFTR-RD). Also called: CFTR-related condition; CFTR-related disorders. Identifiers: MedGen C5924204, MONDO:7770004.
Cystic fibrosis (CF). Also called: MUCOVISCIDOSIS. Identifiers: Orphanet 586, MedGen C0010674, MONDO:0009061, OMIM 219700. Disease mechanism: loss of function.
Bronchiectasis with or without elevated sweat chloride 1 (BESC1). Also called: Cystic Fibrosis-Like Syndrome. Identifiers: Orphanet 60033, MedGen C2749757, MONDO:0008887, OMIM 211400.

Submissions (4):

Women's Health and Genetics/Laboratory Corporation of America, LabCorp
Classification: Pathogenic for Cystic fibrosis. Last evaluated: 2025-07-21. Review status: criteria provided, single submitter. Criteria: LabCorp Variant Classification Summary - May 2015. Collection method: clinical testing. Allele origin: germline.
Comment: Variant summary: CFTR c.865A>T (p.Arg289X) results in a premature termination codon, predicted to cause a truncation of the encoded protein or absence of the protein due to nonsense mediated decay, which are commonly known mechanisms for disease. The variant was absent in 248406 control chromosomes. c.865A>T has been observed in at-least two individual(s) affected with Cystic Fibrosis (example, Xie_2017). These data indicate that the variant may be associated with disease. To our knowledge, no experimental evidence demonstrating an impact on protein function has been reported. The following publication has been ascertained in the context of this evaluation (PMID: 26471113). ClinVar contains an entry for this variant (Variation ID: 370599). Based on the evidence outlined above, the variant was classified as pathogenic.

Natera, Inc.
Classification: Pathogenic for CFTR-related disorders. Last evaluated: 2024-10-31. Review status: criteria provided, single submitter. Criteria: Natera Variant Classification Schema (03/2026). Collection method: clinical testing. Allele origin: germline.
Comment: The c.865A>T variant in CFTR is a nonsense variant predicted to introduce a stop codon at amino acid 289. This variant is expected to result in nonsense mediated decay, truncation, or a dysfunctional protein product. This variant is rare in the general population with a frequency below the threshold expected for the associated phenotype(s). This variant has been observed in one or more individuals affected with the associated recessive disease, as either homozygous or compound heterozygous with a second variant (PMID: 26471113). Additionally, this variant has been observed to segregate in affected family members (PMID: 26471113). Given the available evidence, this variant is classified as Pathogenic.

Baylor Genetics
Classification: Pathogenic for Bronchiectasis with or without elevated sweat chloride 1. Last evaluated: 2023-02-16. Review status: criteria provided, single submitter. Criteria: ACMG Guidelines, 2015. Collection method: clinical testing. Allele origin: unknown.

Counsyl
Classification: Likely pathogenic for Cystic fibrosis. Last evaluated: 2016-03-07. Review status: no assertion criteria provided. Collection method: clinical testing. Allele origin: unknown. Not counted in ClinVar's aggregate classification.

Literature cited by the submitters: PubMed 26471113 (cited by 3 submitters).

NM_000492.4(CFTR):c.865A>T (p.Arg289Ter)

Gene: CFTR (CF transmembrane conductance regulator; plus strand). Cytogenetic location: 7q31.2.
Variant type: single nucleotide variant.
Coding change: c.865A>T on transcript NM_000492.4 (MANE Select); coding-DNA position 865, A replaced by T.
Protein change: p.Arg289Ter; replaces arginine 289 with a stop codon.
Molecular consequence: nonsense.
Genome position (GRCh38, 1-based): chr7:117,536,669, A>T. VCF-style: chr7-117536669-A-T. GRCh37 (hg19) VCF-style: chr7-117176723-A-T.
Other names: short protein forms R289*.
Identifiers: ClinVar variation 370599 (VCV000370599.6), dbSNP rs1057516619, ClinGen allele CA16041127.